The following is an entry in ClinVar:

NM_207122.2(EXT2):c.857G>A (p.Cys286Tyr)

Gene: EXT2 (exostosin glycosyltransferase 2; plus strand). Cytogenetic location: 11p11.2.
Variant type: single nucleotide variant.
Coding change: c.857G>A on transcript NM_207122.2 (MANE Select); coding-DNA position 857, G replaced by A.
Protein change: p.Cys286Tyr; replaces cysteine 286 with tyrosine.
Molecular consequence: missense variant.
Genome position (GRCh38, 1-based): chr11:44,124,902, G>A. VCF-style: chr11-44124902-G-A. GRCh37 (hg19) VCF-style: chr11-44146452-G-A.
Other names: c.956G>A, p.Cys319Tyr (NM_000401.3); c.857G>A, p.Cys286Tyr (NM_001178083.3, NM_001389628.1, NM_001389630.1); short protein forms C319Y, C286Y.
Identifiers: ClinVar variation 2078466 (VCV002078466.8), dbSNP rs778720458, ClinGen allele CA5955020.
Genomic context (GRCh38, chr11:44,124,902, plus strand): 5'-GAGAGGACCTAGAAGCCCTCCAGGTCAAACATGGAGAGTCAGTGTTAGTACTCGATAAAT[G>A]CACCAACCTCTCAGAGGGTGTCCTTTCTGTCCGTAAGCGCTGCCACAAGCACCAGGTCTT-3'
Protein context (NP_997005.1, residues 276-296): HGESVLVLDK[Cys286Tyr]TNLSEGVLSV

ClinVar aggregate classification (germline): Conflicting classifications of pathogenicity. Review status: criteria provided, conflicting classifications (1 of 4 stars). 3 submissions from 3 submitters: Likely pathogenic (1); Uncertain significance (2). Last evaluated 2025-11-04.

Conditions:
Exostoses, multiple, type 2 (EXT2). Also called: Hereditary Multiple Osteochondromatosis, Type II; EXOSTOSES, MULTIPLE, TYPE II. Identifiers: Orphanet 321, MedGen C1851413, MONDO:0007586, OMIM 133701.
Inborn genetic diseases. Identifiers: MedGen C0950123, MeSH D030342.
Ovarian cancer. Also called: OVARIAN CANCER, SOMATIC. Identifiers: Orphanet 213500, MedGen C1140680, MONDO:0008170, OMIM 167000.

Allele frequency attached by ClinVar (database versions not stated): gnomAD exomes below 0.00001; TOPMed 0.00001; ExAC 0.00004.

Submissions (3):

Labcorp Genetics (formerly Invitae), Labcorp
Classification: Uncertain significance for Exostoses, multiple, type 2. Last evaluated: 2025-11-04. Review status: criteria provided, single submitter. Criteria: Invitae Variant Classification Sherloc (09022015). Collection method: clinical testing. Allele origin: germline.
Comment: This sequence change replaces cysteine, which is neutral and slightly polar, with tyrosine, which is neutral and polar, at codon 286 of the EXT2 protein (p.Cys286Tyr). This variant is present in population databases (rs778720458, gnomAD 0.03%). This variant has not been reported in the literature in individuals affected with EXT2-related conditions. ClinVar contains an entry for this variant (Variation ID: 2078466). Invitae Evidence Modeling of protein sequence and biophysical properties (such as structural, functional, and spatial information, amino acid conservation, physicochemical variation, residue mobility, and thermodynamic stability) has been performed for this missense variant. However, the output from this modeling did not meet the statistical confidence thresholds required to predict the impact of this variant on EXT2 protein function. In summary, the available evidence is currently insufficient to determine the role of this variant in disease. Therefore, it has been classified as a Variant of Uncertain Significance.

Ambry Genetics
Classification: Uncertain significance for Inborn genetic diseases. Last evaluated: 2023-03-17. Review status: criteria provided, single submitter. Criteria: Ambry Variant Classification Scheme 2023. Collection method: clinical testing. Allele origin: germline.

Laboratory of Molecular Epidemiology of Birth Defects, West China Second University Hospital, Sichuan University
Classification: Likely pathogenic for Ovarian cancer. Last evaluated: 2022-01-01. Review status: criteria provided, single submitter. Criteria: ACMG Guidelines, 2015. Collection method: clinical testing. Allele origin: germline. Affected: yes.